The following is an entry in ClinVar:

NM_206933.4(USH2A):c.577G>A (p.Gly193Ser)

Gene: USH2A (usherin; minus strand). Cytogenetic location: 1q41.
Variant type: single nucleotide variant.
Coding change: c.577G>A on transcript NM_206933.4 (MANE Select); coding-DNA position 577, G replaced by A.
Protein change: p.Gly193Ser; replaces glycine 193 with serine.
Molecular consequence: missense variant.
Genome position (GRCh38, 1-based): chr1:216,418,588, C>T on the plus strand (G>A on the coding strand, the complement: USH2A is on the minus strand). VCF-style: chr1-216418588-C-T. GRCh37 (hg19) VCF-style: chr1-216591930-C-T.
Other names: c.577G>A, p.Gly193Ser (NM_007123.6); short protein forms G193S.
Identifiers: ClinVar variation 1447162 (VCV001447162.8), dbSNP rs1472492116, ClinGen allele CA344902484.

ClinVar aggregate classification (germline): Uncertain significance (1 of 4 stars; one submission).

Allele frequency attached by ClinVar (database versions not stated): TOPMed 0.00001.
gnomAD v4.1: 3 of 1,613,184 alleles (0.00019%); highest among the groups gnomAD compares: Non-Finnish European, 0.00025%; no homozygotes.

Submission:

Labcorp Genetics (formerly Invitae), Labcorp
Classification: Uncertain significance. Last evaluated: 2021-07-30. Review status: criteria provided, single submitter. Criteria: Invitae Variant Classification Sherloc (09022015). Collection method: clinical testing. Allele origin: germline.
Comment: This sequence change replaces glycine with serine at codon 193 of the USH2A protein (p.Gly193Ser). The glycine residue is highly conserved and there is a small physicochemical difference between glycine and serine. This variant is not present in population databases (ExAC no frequency). This variant has not been reported in the literature in individuals with USH2A-related conditions. Algorithms developed to predict the effect of missense changes on protein structure and function are either unavailable or do not agree on the potential impact of this missense change (SIFT: "Deleterious"; PolyPhen-2: "Possibly Damaging"; Align-GVGD: "Class C0"). In summary, the available evidence is currently insufficient to determine the role of this variant in disease. Therefore, it has been classified as a Variant of Uncertain Significance.